The following is an entry in ClinVar:

ClinVar aggregate classification (germline): Uncertain significance (1 of 4 stars; one submission).

Conditions:
Early-infantile DEE. Also called: Ohtahara syndrome; Early infantile epileptic encephalopathy with suppression bursts; Early infantile epileptic encephalopathy. Identifiers: Orphanet 1934, MedGen C0393706, MONDO:0800491.

Submission:

Labcorp Genetics (formerly Invitae), Labcorp
Classification: Uncertain significance for Early-infantile DEE. Last evaluated: 2022-02-04. Review status: criteria provided, single submitter. Criteria: Invitae Variant Classification Sherloc (09022015). Collection method: clinical testing. Allele origin: germline.
Comment: This sequence change replaces glutamine, which is neutral and polar, with histidine, which is basic and polar, at codon 2055 of the SPTAN1 protein (p.Gln2055His). This variant is not present in population databases (gnomAD no frequency). This variant has not been reported in the literature in individuals affected with SPTAN1-related conditions. Algorithms developed to predict the effect of missense changes on protein structure and function are either unavailable or do not agree on the potential impact of this missense change (SIFT: "Deleterious"; PolyPhen-2: "Probably Damaging"; Align-GVGD: "Class C15"). In summary, the available evidence is currently insufficient to determine the role of this variant in disease. Therefore, it has been classified as a Variant of Uncertain Significance.

NM_001130438.3(SPTAN1):c.6165G>T (p.Gln2055His)

Gene: SPTAN1 (spectrin alpha, non-erythrocytic 1; plus strand). Cytogenetic location: 9q34.11.
Variant type: single nucleotide variant.
Coding change: c.6165G>T on transcript NM_001130438.3 (MANE Select); coding-DNA position 6165, G replaced by T.
Protein change: p.Gln2055His; replaces glutamine 2055 with histidine.
Molecular consequence: missense variant.
Genome position (GRCh38, 1-based): chr9:128,625,864, G>T. VCF-style: chr9-128625864-G-T. GRCh37 (hg19) VCF-style: chr9-131388143-G-T.
Other names: c.6090G>T, p.Gln2030His (NM_001195532.2); c.6165G>T, p.Gln2055His (NM_001363759.2, NM_001375310.1, NM_001375311.2 and 1 more transcripts); c.6105G>T, p.Gln2035His (NM_001363765.2, NM_001375314.2); c.6201G>T, p.Gln2067His (NM_001375312.2, NM_001375318.1); c.6150G>T, p.Gln2050His (NM_003127.4); short protein forms Q2050H, Q2035H, Q2055H, Q2067H, Q2030H.
Identifiers: ClinVar variation 1471460 (VCV001471460.9), dbSNP rs2131953698, ClinGen allele CA375086669.